The following is an entry in ClinVar:

NM_000535.7(PMS2):c.712A>G (p.Ser238Gly)

Gene: PMS2 (PMS1 homolog 2, mismatch repair system component; minus strand). Cytogenetic location: 7p22.1.
Variant type: single nucleotide variant.
Coding change: c.712A>G on transcript NM_000535.7 (MANE Select); coding-DNA position 712, A replaced by G.
Protein change: p.Ser238Gly; replaces serine 238 with glycine.
Molecular consequence: missense variant. On other transcripts: 5 prime UTR variant (2), non-coding transcript variant (1).
Genome position (GRCh38, 1-based): chr7:5,997,417, T>C on the plus strand (A>G on the coding strand, the complement: PMS2 is on the minus strand). VCF-style: chr7-5997417-T-C. GRCh37 (hg19) VCF-style: chr7-6037048-T-C.
Other names: c.307A>G, p.Ser103Gly (NM_001322003.2, NM_001322004.2, NM_001322005.2 and 2 more transcripts); c.712A>G, p.Ser238Gly (NM_001322006.2, NM_001322014.2); c.394A>G, p.Ser132Gly (NM_001322007.2, NM_001322008.2); c.-222A>G (NM_001322011.2, NM_001322012.2); c.139A>G, p.Ser47Gly (NM_001322013.2); c.403A>G, p.Ser135Gly (NM_001322015.2); short protein forms S238G, S47G, S103G, S132G, S135G.
Identifiers: ClinVar variation 411086 (VCV000411086.16), dbSNP rs1060503149, ClinGen allele CA16612226.

ClinVar aggregate classification (germline): Uncertain significance. Review status: criteria provided, multiple submitters, no conflicts (2 of 4 stars). 3 submissions from 3 submitters: Uncertain significance (3). Last evaluated 2025-02-01.

Conditions:
Hereditary nonpolyposis colorectal neoplasms. Identifiers: MedGen C0009405, MeSH D003123.
Hereditary cancer-predisposing syndrome. Also called: Tumor predisposition; Hereditary Cancer Syndrome; Hereditary neoplastic syndrome; Neoplastic Syndromes, Hereditary. Identifiers: Orphanet 140162, MedGen C0027672, MeSH D009386, MONDO:0015356.

gnomAD v4.1: 1 of 1,547,764 alleles (0.000065%); no homozygotes.

Submissions (3):

Ambry Genetics
Classification: Uncertain significance for Hereditary cancer-predisposing syndrome. Last evaluated: 2025-02-01. Review status: criteria provided, single submitter. Criteria: Ambry Variant Classification Scheme 2023. Collection method: clinical testing. Allele origin: germline.
Comment: The p.S238G variant (also known as c.712A>G), located in coding exon 7 of the PMS2 gene, results from an A to G substitution at nucleotide position 712. The serine at codon 238 is replaced by glycine, an amino acid with similar properties. This amino acid position is conserved. In addition, the in silico prediction for this alteration is inconclusive. Based on the available evidence, the clinical significance of this variant remains unclear.

Color Diagnostics, LLC DBA Color Health
Classification: Uncertain significance for Hereditary cancer-predisposing syndrome. Last evaluated: 2023-12-04. Review status: criteria provided, single submitter. Criteria: ACMG Guidelines, 2015. Collection method: clinical testing. Allele origin: germline.
Comment: This missense variant replaces serine with glycine at codon 238 of the PMS2 protein. Computational prediction suggests that this variant may not impact protein structure and function (internally defined REVEL score threshold <= 0.5, PMID: 27666373). To our knowledge, functional studies have not been reported for this variant. This variant has not been reported in individuals affected with PMS2-related disorders in the literature. This variant has not been identified in the general population by the Genome Aggregation Database (gnomAD). The available evidence is insufficient to determine the role of this variant in disease conclusively. Therefore, this variant is classified as a Variant of Uncertain Significance.

Labcorp Genetics (formerly Invitae), Labcorp
Classification: Uncertain significance for Hereditary nonpolyposis colorectal neoplasms. Last evaluated: 2022-05-31. Review status: criteria provided, single submitter. Criteria: Invitae Variant Classification Sherloc (09022015). Collection method: clinical testing. Allele origin: germline.
Comment: In summary, the available evidence is currently insufficient to determine the role of this variant in disease. Therefore, it has been classified as a Variant of Uncertain Significance. Advanced modeling of protein sequence and biophysical properties (such as structural, functional, and spatial information, amino acid conservation, physicochemical variation, residue mobility, and thermodynamic stability) performed at Invitae indicates that this missense variant is not expected to disrupt PMS2 protein function. ClinVar contains an entry for this variant (Variation ID: 411086). This variant has not been reported in the literature in individuals affected with PMS2-related conditions. This variant is present in population databases (no rsID available, gnomAD 0.001%). This sequence change replaces serine, which is neutral and polar, with glycine, which is neutral and non-polar, at codon 238 of the PMS2 protein (p.Ser238Gly).